The following is an entry in ClinVar:

ClinVar aggregate classification (germline): Pathogenic (0 of 4 stars; one submission).

Conditions:
Crigler-Najjar syndrome type 1. Also called: HYPERBILIRUBINEMIA, CRIGLER-NAJJAR TYPE I. Identifiers: Orphanet 79234, MedGen C0010324, MONDO:0021020, OMIM 218800.

Submission:

Neonatal Research Center, Shiraz University of Medical Science
Classification: Pathogenic for Crigler-Najjar syndrome type 1. Last evaluated: 2021-06-10. Review status: no assertion criteria provided. Collection method: research. Allele origin: germline. Inheritance: Autosomal recessive inheritance. Affected: yes.
Comment: This frameshift variant results in a truncated protein due to the creation of premature termination (a stop codon), 16 codons downstream of the p.Leu130Phefs variant. Based on ACMG, the p.Leu130PhefsTer16 is a pathogenic variant (PVS1, PS2, and PP4).

NM_000463.3(UGT1A1):c.389dup (p.Leu130fs)

Genes: UGT1A9 (UDP glucuronosyltransferase family 1 member A9; plus strand), UGT1A (UDP glucuronosyltransferase family 1 member A complex locus; plus strand), UGT1A8 (UDP glucuronosyltransferase family 1 member A8; plus strand), UGT1A5 (UDP glucuronosyltransferase family 1 member A5; plus strand), UGT1A10 (UDP glucuronosyltransferase family 1 member A10; plus strand) and 5 more. Cytogenetic location: 2q37.1.
Variant type: Duplication.
Coding change: c.389dup on transcript NM_000463.3 (MANE Select); coding-DNA position 389, one base duplicated (T; older notation c.389dupT).
Protein change: p.Leu130fs; shifts the reading frame from leucine 130.
Molecular consequence: frameshift variant. On other transcripts: intron variant (9).
Genome position (GRCh38, 1-based): chr2:233,760,676, T duplicated; the last of 2 consecutive T bases (chr2:233,760,675-233,760,676); duplicating either gives the same sequence. VCF-style (leftmost placement, unchanged base first): chr2-233760674-C-CT. GRCh37 (hg19) VCF-style: chr2-234669320-C-CT.
Other names: c.856-6358dup (NM_019076.5, NM_019075.4, NM_021027.3 and 1 more transcripts); c.61-6358dup (NM_205862.3); c.862-6358dup (NM_001072.4); c.868-6358dup (NM_019078.2, NM_007120.3, NM_019093.4); short protein forms L130fs.
Identifiers: ClinVar variation 1185041 (VCV001185041.3), dbSNP rs2125987072, ClinGen allele CA2499215797.
Genomic context (GRCh38, chr2:233,760,674, plus strand): 5'-GATCAAAACATACAAGAAAATAAAAAAGGACTCTGCTATGCTTTTGTCTGGCTGTTCCCA[C>CT]TTACTGCACAACAAGGAGCTCATGGCCTCCCTGGCAGAAAGCAGCTTTGATGTCATGCTG-3'